The following is an entry in ClinVar:

ClinVar aggregate classification (germline): Uncertain significance (1 of 4 stars; one submission).

Conditions:
Spastic ataxia 2. Also called: Ataxia, spastic, 2, autosomal recessive. Identifiers: Orphanet 397946, MedGen C1969796, MONDO:0012651, OMIM 611302.

Submission:

Labcorp Genetics (formerly Invitae), Labcorp
Classification: Uncertain significance for Spastic ataxia 2. Last evaluated: 2021-05-14. Review status: criteria provided, single submitter. Criteria: Invitae Variant Classification Sherloc (09022015). Collection method: clinical testing. Allele origin: germline.
Comment: In summary, the available evidence is currently insufficient to determine the role of this variant in disease. Therefore, it has been classified as a Variant of Uncertain Significance. Algorithms developed to predict the effect of missense changes on protein structure and function (SIFT, PolyPhen-2, Align-GVGD) all suggest that this variant is likely to be tolerated, but these predictions have not been confirmed by published functional studies and their clinical significance is uncertain. This variant has not been reported in the literature in individuals with KIF1C-related conditions. This variant is not present in population databases (ExAC no frequency). This sequence change replaces serine with leucine at codon 426 of the KIF1C protein (p.Ser426Leu). The serine residue is highly conserved and there is a large physicochemical difference between serine and leucine.

NM_006612.6(KIF1C):c.1277C>T (p.Ser426Leu)

Gene: KIF1C (kinesin family member 1C; plus strand). Cytogenetic location: 17p13.2.
Variant type: single nucleotide variant.
Coding change: c.1277C>T on transcript NM_006612.6 (MANE Select); coding-DNA position 1277, C replaced by T.
Protein change: p.Ser426Leu; replaces serine 426 with leucine.
Molecular consequence: missense variant.
Genome position (GRCh38, 1-based): chr17:5,007,026, C>T. VCF-style: chr17-5007026-C-T. GRCh37 (hg19) VCF-style: chr17-4910321-C-T.
Other names: short protein forms S426L.
Identifiers: ClinVar variation 1474725 (VCV001474725.8), dbSNP rs2143331530, ClinGen allele CA397349155.
Genomic context (GRCh38, chr17:5,007,026, plus strand): 5'-CTCCCCCAGCTCCAGTTTCACCCTCATCACCCACCACACATAATGGGGAGCTGGAGCCGT[C>T]ATTCTCCCCCAACACGGAGTCCCAGATTGGGCCTGAGGAAGCCATGGAGAGGCTGCAGGT-3'
Protein context (NP_006603.2, residues 416-436): PTTHNGELEP[Ser426Leu]FSPNTESQIG